The following is an entry in ClinVar:

NM_001326342.2(CELF2):c.2T>A (p.Met1Lys)

Gene: CELF2 (CUGBP Elav-like family member 2; plus strand). Cytogenetic location: 10p14.
Variant type: single nucleotide variant.
Coding change: c.2T>A on transcript NM_001326342.2 (MANE Select); coding-DNA position 2, T replaced by A.
Protein change: p.Met1Lys; changes the start codon (methionine 1).
Molecular consequence: missense variant, initiator codon variant. On other transcripts: intron variant (24).
Genome position (GRCh38, 1-based): chr10:11,018,091, T>A. VCF-style: chr10-11018091-T-A. GRCh37 (hg19) VCF-style: chr10-11060054-T-A.
Other names: c.2T>A, p.Met1Lys (NM_001326340.2, NM_001326341.2, NM_001326343.2 and 4 more transcripts); c.-20+98092T>A (NM_001326323.2, NM_001326320.2, NM_001326321.2 and 4 more transcripts); c.-20+77637T>A (NM_001326319.2); c.146+98092T>A (NM_001326325.2); c.89+98092T>A (NM_001326327.2, NM_001326326.2); c.-20+13093T>A (NM_001326330.2, NM_001326329.2); c.-205+12651T>A (NM_001326334.2); c.53+12651T>A (NM_001326336.2, NM_001326335.2, NM_001326337.2 and 4 more transcripts); and 2 more; short protein forms M1K.
Identifiers: ClinVar variation 2629920 (VCV002629920.1), dbSNP rs2057580233, ClinGen allele CA375986192.

ClinVar aggregate classification (germline): Uncertain significance (1 of 4 stars; one submission).

Conditions:
CELF2-related disorder. Also called: CELF2-related condition.

Submission:

PreventionGenetics, part of Exact Sciences
Classification: Uncertain significance for CELF2-related condition. Last evaluated: 2023-01-03. Review status: criteria provided, single submitter. Criteria: ACMG Guidelines, 2015. Collection method: clinical testing. Allele origin: germline.
Comment: The CELF2 c.2T>A variant is predicted to disrupt the translation initiation site (p.Met1?). To our knowledge, this variant has not been reported in the literature or in a large population database, indicating this variant is rare. At this time, the clinical significance of this variant is uncertain due to the absence of conclusive functional and genetic evidence.